The following is an entry in ClinVar:

ClinVar aggregate classification (germline): Uncertain significance. Review status: criteria provided, single submitter (1 of 4 stars). 2 submissions from 2 submitters: Uncertain significance (1). 1 of the submissions does not count toward it. Last evaluated 2022-08-23.

Conditions:
Zellweger spectrum disorders (ZS). Also called: Zellweger Spectrum Disorder; Zellweger Spectrum; Zellweger syndrome; Zellweger Spectrum Disorder (ZSD). Identifiers: Orphanet 912, MedGen C0043459, MONDO:0019609.
PEX1-related disorder. Also called: PEX1-related condition.

Allele frequency attached by ClinVar (database versions not stated): gnomAD exomes below 0.00001.
gnomAD v4.1: 4 of 1,613,228 alleles (0.00025%); highest among the groups gnomAD compares: Admixed American, 0.0017%; no homozygotes.

Submissions (2):

Labcorp Genetics (formerly Invitae), Labcorp
Classification: Uncertain significance for Zellweger spectrum disorders. Last evaluated: 2022-08-23. Review status: criteria provided, single submitter. Criteria: Invitae Variant Classification Sherloc (09022015). Collection method: clinical testing. Allele origin: germline.
Comment: This sequence change replaces serine, which is neutral and polar, with leucine, which is neutral and non-polar, at codon 1065 of the PEX1 protein (p.Ser1065Leu). This variant is not present in population databases (gnomAD no frequency). This variant has not been reported in the literature in individuals affected with PEX1-related conditions. Advanced modeling of protein sequence and biophysical properties (such as structural, functional, and spatial information, amino acid conservation, physicochemical variation, residue mobility, and thermodynamic stability) performed at Invitae indicates that this missense variant is not expected to disrupt PEX1 protein function. In summary, the available evidence is currently insufficient to determine the role of this variant in disease. Therefore, it has been classified as a Variant of Uncertain Significance.

PreventionGenetics, part of Exact Sciences
Classification: Uncertain significance for PEX1-related condition. Last evaluated: 2024-05-01. Review status: no assertion criteria provided. Collection method: clinical testing. Allele origin: germline. Not counted in ClinVar's aggregate classification.
Comment: The PEX1 c.3194C>T variant is predicted to result in the amino acid substitution p.Ser1065Leu. To our knowledge, this variant has not been reported in the literature or in a large population database, indicating this variant is rare. At this time, the clinical significance of this variant is uncertain due to the absence of conclusive functional and genetic evidence.

NM_000466.3(PEX1):c.3194C>T (p.Ser1065Leu)

Genes: GATAD1 (GATA zinc finger domain containing 1; plus strand), PEX1 (peroxisomal biogenesis factor 1; minus strand). Cytogenetic location: 7q21.2.
Variant type: single nucleotide variant.
Coding change: c.3194C>T on transcript NM_000466.3 (MANE Select); coding-DNA position 3194, C replaced by T.
Protein change: p.Ser1065Leu; replaces serine 1065 with leucine.
Molecular consequence: missense variant.
Genome position (GRCh38, 1-based): chr7:92,492,966, G>A on the plus strand (C>T on the coding strand, the complement: PEX1 is on the minus strand). VCF-style: chr7-92492966-G-A. GRCh37 (hg19) VCF-style: chr7-92122280-G-A.
Other names: c.3023C>T, p.Ser1008Leu (NM_001282677.2); c.2570C>T, p.Ser857Leu (NM_001282678.2); c.3194C>T (NM_000466.2); short protein forms S1008L, S1065L, S857L.
Identifiers: ClinVar variation 2414660 (VCV002414660.4), dbSNP rs2484628463, ClinGen allele CA368165902.
Genomic context (GRCh38, chr7:92,492,966, plus strand): 5'-CTTTTATCACTCATAAAATGTCATAACAACTTCCTCATATAACTTGCCTGGAGTCCACTC[G>A]AGAGCAGCATTCCATGTAAGGCCTCCAATTGGGCATTGTAAAGTAAAGCTTTCAGATCAG-3'
Protein context (NP_000457.1, residues 1055-1075): QLEALHGMLL[Ser1065Leu]SGLQDGSSSS